The following is an entry in ClinVar:

ClinVar aggregate classification (germline): Pathogenic (1 of 4 stars; one submission).

Conditions:
Ehlers-Danlos syndrome, classic type, 1 (EDSCL1). Also called: EHLERS-DANLOS SYNDROME, GRAVIS TYPE; EHLERS-DANLOS SYNDROME, SEVERE CLASSIC TYPE; Ehlers-Danlos syndrome, type 1; Ehlers-Danlos Syndrome, Classic Type, COL5A1-Related; EDS I. Identifiers: MedGen C0268335, MONDO:0019567, OMIM 130000.

Submission:

Labcorp Genetics (formerly Invitae), Labcorp
Classification: Pathogenic for Ehlers-Danlos syndrome, classic type, 1. Last evaluated: 2023-12-23. Review status: criteria provided, single submitter. Criteria: Invitae Variant Classification Sherloc (09022015). Collection method: clinical testing. Allele origin: germline.
Comment: This sequence change creates a premature translational stop signal (p.Gln1185*) in the COL5A1 gene. It is expected to result in an absent or disrupted protein product. Loss-of-function variants in COL5A1 are known to be pathogenic (PMID: 23587214). This variant is not present in population databases (gnomAD no frequency). This variant has not been reported in the literature in individuals affected with COL5A1-related conditions. For these reasons, this variant has been classified as Pathogenic.

Literature cited by the submitters: PubMed 23587214.

NM_000093.5(COL5A1):c.3553C>T (p.Gln1185Ter)

Gene: COL5A1 (collagen type V alpha 1 chain; plus strand). Cytogenetic location: 9q34.3.
Variant type: single nucleotide variant.
Coding change: c.3553C>T on transcript NM_000093.5 (MANE Select); coding-DNA position 3553, C replaced by T.
Protein change: p.Gln1185Ter; replaces glutamine 1185 with a stop codon.
Molecular consequence: nonsense.
Genome position (GRCh38, 1-based): chr9:134,811,363, C>T. VCF-style: chr9-134811363-C-T. GRCh37 (hg19) VCF-style: chr9-137703209-C-T.
Other names: c.3553C>T, p.Gln1185Ter (NM_001278074.1); short protein forms Q1185*.
Identifiers: ClinVar variation 2699942 (VCV002699942.3), dbSNP rs2490818488, ClinGen allele CA375453836.
Genomic context (GRCh38, chr9:134,811,363, plus strand): 5'-AAGAAGCTACCTATGTCTCTGTCTTGTTCCCCGCAGGGTCCTCCTGGGCCTACAGGTCCT[C>T]AAGGCCCCATCGGACAGCCAGGCCCCTCTGTGAGTATCCATGGTCAATGACCTTCGAAAA-3'